The following is an entry in ClinVar:

ClinVar aggregate classification (germline): Uncertain significance. Review status: criteria provided, multiple submitters, no conflicts (2 of 4 stars). 3 submissions from 3 submitters: Uncertain significance (3). Last evaluated 2023-02-14.

Allele frequency attached by ClinVar (database versions not stated): TOPMed below 0.00001; gnomAD exomes 0.00001.
gnomAD v4.1: 18 of 1,614,204 alleles (0.0011%); highest among the groups gnomAD compares: Non-Finnish European, 0.0015%; no homozygotes.

Submissions (3):

Blueprint Genetics
Classification: Uncertain significance. Last evaluated: 2023-02-14. Review status: criteria provided, single submitter. Criteria: ACMG Guidelines, 2015. Collection method: clinical testing. Allele origin: germline.

Labcorp Genetics (formerly Invitae), Labcorp
Classification: Uncertain significance. Last evaluated: 2019-08-27. Review status: criteria provided, single submitter. Criteria: Invitae Variant Classification Sherloc (09022015). Collection method: clinical testing. Allele origin: germline.
Comment: In summary, the available evidence is currently insufficient to determine the role of this variant in disease. Therefore, it has been classified as a Variant of Uncertain Significance. Algorithms developed to predict the effect of missense changes on protein structure and function are either unavailable or do not agree on the potential impact of this missense change (SIFT: "Deleterious"; PolyPhen-2: "Probably Damaging"; Align-GVGD: "Class C0"). This variant has not been reported in the literature in individuals with CDHR1-related conditions. ClinVar contains an entry for this variant (Variation ID: 291002). This variant is not present in population databases (ExAC no frequency). This sequence change replaces serine with glycine at codon 453 of the CDHR1 protein (p.Ser453Gly). The serine residue is highly conserved and there is a small physicochemical difference between serine and glycine.

Eurofins Ntd Llc (ga)
Classification: Uncertain significance. Last evaluated: 2016-09-21. Review status: criteria provided, single submitter. Criteria: EGL Classification Definitions 2015. Collection method: clinical testing. Allele origin: germline. Observed: 1 variant allele, 1 heterozygote.

NM_033100.4(CDHR1):c.1357A>G (p.Ser453Gly)

Gene: CDHR1 (cadherin related family member 1; plus strand). Cytogenetic location: 10q23.1.
Variant type: single nucleotide variant.
Coding change: c.1357A>G on transcript NM_033100.4 (MANE Select); coding-DNA position 1357, A replaced by G.
Protein change: p.Ser453Gly; replaces serine 453 with glycine.
Molecular consequence: missense variant.
Genome position (GRCh38, 1-based): chr10:84,211,037, A>G. VCF-style: chr10-84211037-A-G. GRCh37 (hg19) VCF-style: chr10-85970793-A-G.
Other names: c.1357A>G, p.Ser453Gly (NM_001171971.3); short protein forms S453G.
Identifiers: ClinVar variation 291002 (VCV000291002.13), dbSNP rs886044615, ClinGen allele CA10606980.